The following is an entry in ClinVar:

ClinVar aggregate classification (germline): Uncertain significance (1 of 4 stars; one submission).

Conditions:
Inborn genetic diseases. Identifiers: MedGen C0950123, MeSH D030342.

Submission:

Ambry Genetics
Classification: Uncertain significance for Inborn genetic diseases. Last evaluated: 2018-11-28. Review status: criteria provided, single submitter. Criteria: Ambry Variant Classification Scheme 2023. Collection method: clinical testing. Allele origin: germline.
Comment: The p.N238S variant (also known as c.713A>G), located in coding exon 6 of the NIPBL gene, results from an A to G substitution at nucleotide position 713. The asparagine at codon 238 is replaced by serine, an amino acid with highly similar properties. This amino acid position is highly conserved in available vertebrate species. In addition, the in silico prediction for this alteration is inconclusive. Since supporting evidence is limited at this time, the clinical significance of this alteration remains unclear.

NM_133433.4(NIPBL):c.713A>G (p.Asn238Ser)

Gene: NIPBL (NIPBL cohesin loading factor; plus strand). Cytogenetic location: 5p13.2.
Variant type: single nucleotide variant.
Coding change: c.713A>G on transcript NM_133433.4 (MANE Select); coding-DNA position 713, A replaced by G.
Protein change: p.Asn238Ser; replaces asparagine 238 with serine.
Molecular consequence: missense variant.
Genome position (GRCh38, 1-based): chr5:36,970,978, A>G. VCF-style: chr5-36970978-A-G. GRCh37 (hg19) VCF-style: chr5-36971080-A-G.
Other names: c.713A>G, p.Asn238Ser (NM_015384.5); short protein forms N238S.
Identifiers: ClinVar variation 1757338 (VCV001757338.2), dbSNP rs2479089475, ClinGen allele CA359478852.
Genomic context (GRCh38, chr5:36,970,978, plus strand): 5'-TACATGATAATAAAGTTTCTGGTCCGTTGTCTGGCAATTCAGCTAATCATCATGCTGATA[A>G]TCCTAGACATGGTTCAAGTGAGGACTACCTACACATGGTGCACAGGCTAAGTAGTGACGT-3'
Protein context (NP_597677.2, residues 228-248): SGNSANHHAD[Asn238Ser]PRHGSSEDYL